The following is an entry in ClinVar:

NM_024120.5(NDUFAF5):c.717+1G>T

Gene: NDUFAF5 (NADH:ubiquinone oxidoreductase complex assembly factor 5; plus strand). Cytogenetic location: 20p12.1.
Variant type: single nucleotide variant.
Coding change: c.717+1G>T on transcript NM_024120.5 (MANE Select); the canonical splice donor site of the intron after coding-DNA position 717, G replaced by T.
Molecular consequence: splice donor variant.
Genome position (GRCh38, 1-based): chr20:13,801,684, G>T. VCF-style: chr20-13801684-G-T. GRCh37 (hg19) VCF-style: chr20-13782330-G-T.
Other names: c.156+1G>T (NM_001352407.2, NM_001352406.2); c.633+1G>T (NM_001039375.3); c.246+1G>T (NM_001352403.2); c.717+1G>T (NM_001352408.2).
Identifiers: ClinVar variation 4850384 (VCV004850384.1).

ClinVar aggregate classification (germline): Likely pathogenic (1 of 4 stars; one submission).

Conditions:
Mitochondrial complex I deficiency, nuclear type 16. Also called: Mitochondrial complex 1 deficiency, nuclear type 16. Identifiers: MedGen C4748785, MONDO:0032621, OMIM 618238.

Submission:

First Genomix Gene Laboratory, Genetic Diagnostics Department
Classification: Likely pathogenic for Mitochondrial complex I deficiency, nuclear type 16. Last evaluated: 2025-09-19. Review status: criteria provided, single submitter. Criteria: ACMG Guidelines, 2015. Collection method: clinical testing. Allele origin: germline. Inheritance: Autosomal recessive inheritance. Affected: no. Observed: 1 variant allele.